The following is an entry in ClinVar:

NM_001267550.2(TTN):c.107657A>G (p.Lys35886Arg)

Genes: TTN (titin; minus strand), TTN-AS1 (TTN antisense RNA 1; plus strand). Cytogenetic location: 2q31.2.
Variant type: single nucleotide variant.
Coding change: c.107657A>G on transcript NM_001267550.2 (MANE Select); coding-DNA position 107657, A replaced by G.
Protein change: p.Lys35886Arg; replaces lysine 35886 with arginine.
Molecular consequence: missense variant.
Genome position (GRCh38, 1-based): chr2:178,527,469, T>C on the plus strand (A>G on the coding strand, the complement: TTN is on the minus strand). VCF-style: chr2-178527469-T-C. GRCh37 (hg19) VCF-style: chr2-179392196-T-C.
Other names: c.107657A>G (NM_001267550.1); c.102734A>G, p.Lys34245Arg (NM_001256850.1); c.99953A>G, p.Lys33318Arg (NM_133378.4); c.80462A>G, p.Lys26821Arg (NM_003319.4); c.80837A>G, p.Lys26946Arg (NM_133432.3); c.81038A>G, p.Lys27013Arg (NM_133437.4); short protein forms K33318R, K35886R, K34245R, K27013R, K26821R, K26946R.
Identifiers: ClinVar variation 178818 (VCV000178818.14), dbSNP rs727504465, ClinGen allele CA183096.

ClinVar aggregate classification (germline): Conflicting classifications of pathogenicity. Review status: criteria provided, conflicting classifications (1 of 4 stars). 3 submissions from 3 submitters: Uncertain significance (2); Likely benign (1). Last evaluated 2026-01-26.

Conditions:
Dilated cardiomyopathy 1G (CMD1G). Identifiers: Orphanet 154, MedGen C1858763, MONDO:0011400, OMIM 604145.
Autosomal recessive limb-girdle muscular dystrophy type 2J (LGMDR10). Also called: Limb-girdle muscular dystrophy, type 2J; MUSCULAR DYSTROPHY, LIMB-GIRDLE, AUTOSOMAL RECESSIVE 10. Identifiers: Orphanet 140922, MedGen C1837342, MONDO:0012127, OMIM 608807.

Allele frequency attached by ClinVar (database versions not stated): gnomAD exomes below 0.00001 and 0.00001; ExAC 0.00002.
gnomAD v4.1: 5 of 1,613,832 alleles (0.00031%); highest among the groups gnomAD compares: Middle Eastern, 0.017%; no homozygotes.

Submissions (3):

Labcorp Genetics (formerly Invitae), Labcorp
Classification: Uncertain significance for Dilated cardiomyopathy 1G; Autosomal recessive limb-girdle muscular dystrophy type 2J. Last evaluated: 2026-01-26. Review status: criteria provided, single submitter. Criteria: Invitae Variant Classification Sherloc (09022015). Collection method: clinical testing. Allele origin: germline.
Comment: This sequence change replaces lysine, which is basic and polar, with arginine, which is basic and polar, at codon 35886 of the TTN protein (p.Lys35886Arg). This variant is present in population databases (rs727504465, gnomAD 0.005%). This missense change has been observed in individual(s) with arrhythmogenic cardiomyopathy (PMID: 30453078). ClinVar contains an entry for this variant (Variation ID: 178818). An algorithm developed to predict the effect of missense changes on protein structure and function outputs the following: PolyPhen-2: "Not Available". The arginine amino acid residue is found in multiple mammalian species, which suggests that this missense change does not adversely affect protein function. This variant is located in the M band of TTN (PMID: 25589632). Non-truncating variants in this region may be relevant for neuromuscular disorders, but have not been definitively shown to cause cardiomyopathy (PMID: 23975875). In summary, the available evidence is currently insufficient to determine the role of this variant in disease. Therefore, it has been classified as a Variant of Uncertain Significance.

GeneDx
Classification: Uncertain significance. Last evaluated: 2023-10-31. Review status: criteria provided, single submitter. Criteria: GeneDx Variant Classification Process June 2021. Collection method: clinical testing. Allele origin: germline. Affected: yes.
Comment: Located in the M-line region of TTN in which the majority of loss of function variants have been associated with autosomal recessive titinopathies (PMID: 17444505); Not observed at significant frequency in large population cohorts (gnomAD); This variant is associated with the following publications: (PMID: 30453078, 17444505)

Laboratory for Molecular Medicine, Mass General Brigham Personalized Medicine
Classification: Likely benign. Last evaluated: 2013-03-27. Review status: criteria provided, single submitter. Criteria: LMM Criteria. Collection method: clinical testing. Allele origin: germline. Observed: 1 variant allele.
Comment: The Lys33318Arg variant in TTN has not been reported in the literature nor previ ously identified by our laboratory. This variant has also not been identified in large and broad European American and African American populations by the NHLBI Exome Sequencing Project, though it may be c ommon in other populations. The variant amino acid (arginine, Arg) is present in other species, including many mammals. It is therefore highly unlikely that th is variant causes disease although a modifying effect cannot be ruled out.

Literature cited by the submitters: PubMed 30453078 (cited by Labcorp Genetics (formerly Invitae), Labcorp); PubMed 25589632 (cited by Labcorp Genetics (formerly Invitae), Labcorp); PubMed 23975875 (cited by Labcorp Genetics (formerly Invitae), Labcorp).